The following is an entry in ClinVar:

NM_020964.3(EPG5):c.6682G>A (p.Glu2228Lys)

Gene: EPG5 (ectopic P-granules 5 autophagy tethering factor; minus strand). Cytogenetic location: 18q12.3.
Variant type: single nucleotide variant.
Coding change: c.6682G>A on transcript NM_020964.3 (MANE Select); coding-DNA position 6682, G replaced by A.
Protein change: p.Glu2228Lys; replaces glutamic acid 2228 with lysine.
Molecular consequence: missense variant.
Genome position (GRCh38, 1-based): chr18:45,865,699, C>T on the plus strand (G>A on the coding strand, the complement: EPG5 is on the minus strand). VCF-style: chr18-45865699-C-T. GRCh37 (hg19) VCF-style: chr18-43445664-C-T.
Other names: c.6682G>A, p.Glu2228Lys (NM_001410858.1); c.6679G>A, p.Glu2227Lys (NM_001410859.1); short protein forms E2227K, E2228K.
Identifiers: ClinVar variation 2174736 (VCV002174736.3), dbSNP rs2511478804, ClinGen allele CA402338379.

ClinVar aggregate classification (germline): Uncertain significance (1 of 4 stars; one submission).

Conditions:
Vici syndrome (VICIS). Identifiers: Orphanet 1493, MedGen C1855772, MONDO:0009452, OMIM 242840.

gnomAD v4.1: 2 of 1,613,334 alleles (0.00012%); highest among the groups gnomAD compares: South Asian, 0.0011%; no homozygotes.

Submission:

Labcorp Genetics (formerly Invitae), Labcorp
Classification: Uncertain significance for Vici syndrome. Last evaluated: 2022-07-11. Review status: criteria provided, single submitter. Criteria: Invitae Variant Classification Sherloc (09022015). Collection method: clinical testing. Allele origin: germline.
Comment: This sequence change replaces glutamic acid, which is acidic and polar, with lysine, which is basic and polar, at codon 2228 of the EPG5 protein (p.Glu2228Lys). This variant is not present in population databases (gnomAD no frequency). This variant has not been reported in the literature in individuals affected with EPG5-related conditions. Algorithms developed to predict the effect of missense changes on protein structure and function are either unavailable or do not agree on the potential impact of this missense change (SIFT: "Tolerated"; PolyPhen-2: "Probably Damaging"; Align-GVGD: "Class C0"). In summary, the available evidence is currently insufficient to determine the role of this variant in disease. Therefore, it has been classified as a Variant of Uncertain Significance.